The following is an entry in ClinVar:

NM_006767.4(LZTR1):c.2350C>T (p.Gln784Ter)

Gene: LZTR1 (leucine zipper like post translational regulator 1; plus strand). Cytogenetic location: 22q11.21.
Variant type: single nucleotide variant.
Coding change: c.2350C>T on transcript NM_006767.4 (MANE Select); coding-DNA position 2350, C replaced by T.
Protein change: p.Gln784Ter; replaces glutamine 784 with a stop codon.
Molecular consequence: nonsense.
Genome position (GRCh38, 1-based): chr22:20,996,910, C>T. VCF-style: chr22-20996910-C-T. GRCh37 (hg19) VCF-style: chr22-21351199-C-T.
Other names: short protein forms Q784*.
Identifiers: ClinVar variation 1334311 (VCV001334311.5), dbSNP rs1489766065, ClinGen allele CA410781021.
Genomic context (GRCh38, chr22:20,996,910, plus strand): 5'-GAAAGGGGCAGCGCCTCAAGGTCCCTGCCATTGCAGATCCTGGAGGCAGCTGACAAAACG[C>T]AGGCACTGGACATGAAGCGGCACTGCCTGCACATCATTGTGCACCAGTTCACCAAGGTCA-3'

ClinVar aggregate classification (germline): Conflicting classifications of pathogenicity. Review status: criteria provided, conflicting classifications (1 of 4 stars). 4 submissions from 4 submitters: Pathogenic (1); Likely pathogenic (2); Uncertain significance (1). Last evaluated 2026-06-26.

Conditions:
Noonan syndrome 10 (NS10). Identifiers: Orphanet 648, MedGen C4225280, MONDO:0014693, OMIM 616564.
Hereditary cancer-predisposing syndrome. Also called: Neoplastic Syndromes, Hereditary; Hereditary Cancer Syndrome; Tumor predisposition; Hereditary neoplastic syndrome. Identifiers: Orphanet 140162, MedGen C0027672, MeSH D009386, MONDO:0015356.
Cardiovascular phenotype. Identifiers: MedGen CN230736.
Noonan syndrome and Noonan-related syndrome. Identifiers: Orphanet 98733, MedGen C5681679, MONDO:0020297.
LZTR1-related disorder. Also called: LZTR1-related disorders; LZTR1-related condition.

Allele frequency attached by ClinVar (database versions not stated): gnomAD exomes below 0.00001.
gnomAD v4.1: 2 of 1,612,800 alleles (0.00012%); highest among the groups gnomAD compares: Non-Finnish European, 0.000085%; no homozygotes.

Submissions (4):

PreventionGenetics, part of Exact Sciences
Classification: Likely pathogenic for LZTR1-related condition. Last evaluated: 2026-06-26. Review status: criteria provided, single submitter. Criteria: ACMG Guidelines, 2015. Collection method: clinical testing. Allele origin: germline.
Comment: The LZTR1 c.2350C>T variant is predicted to result in premature protein termination (p.Gln784*). To our knowledge, this variant has not been reported in the literature or in a large population database (gnomAD), indicating this variant is rare. Nonsense variants in LZTR1 are expected to be pathogenic for autosomal recessive Noonan syndrome and autosomal dominant susceptibility to schwannomatosis. However, the role of nonsense variants in autosomal dominant Noonan syndrome is currently uncertain. This variant is interpreted as likely pathogenic.

Ambry Genetics
Classification: Pathogenic for Cardiovascular phenotype; Hereditary cancer-predisposing syndrome. Last evaluated: 2025-03-27. Review status: criteria provided, single submitter. Criteria: Ambry Variant Classification Scheme 2023. Collection method: clinical testing. Allele origin: germline.
Comment: The p.Q784* pathogenic mutation (also known as c.2350C>T), located in coding exon 20 of the LZTR1 gene, results from a C to T substitution at nucleotide position 2350. This changes the amino acid from a glutamine to a stop codon within coding exon 20. This alteration is expected to result in loss of function by premature protein truncation or nonsense-mediated mRNA decay. This variant is considered to be rare based on population cohorts in the Genome Aggregation Database (gnomAD). Loss-of-function variants in LZTR1 are related to an increased risk for schwannomas and autosomal recessive Noonan syndrome; however, such associations with autosomal dominant Noonan syndrome have not been observed (Piotrowski A et al. Nat Genet. 2014 Feb;46:182-7; Yamamoto GL et al. J Med Genet. 2015 Jun;52:413-21; Johnston JJ et al. Genet Med. 2018 10;20:1175-1185). Based on the supporting evidence, this variant is pathogenic for an increased risk of LZTR1-related schwannomatosis (SWN) and would be expected to cause autosomal recessive Noonan syndrome when present along with a second pathogenic or likely pathogenic variant on the other allele; however, the association of this alteration with autosomal dominant Noonan syndrome is unlikely.

Genome Diagnostics Laboratory, The Hospital for Sick Children
Classification: Likely pathogenic for Noonan syndrome and Noonan-related syndrome. Last evaluated: 2020-03-02. Review status: criteria provided, single submitter. Criteria: ACMG Guidelines, 2015. Collection method: clinical testing. Allele origin: germline. Affected: yes.

Neuberg Centre For Genomic Medicine, NCGM
Classification: Uncertain significance for Noonan syndrome 10. Review status: criteria provided, single submitter. Criteria: ACMG Guidelines, 2015. Collection method: clinical testing. Allele origin: germline. Inheritance: Autosomal dominant inheritance. Affected: yes.
Comment: The stop gain c.2350C>T (p.Gln784Ter) variant in LZTR1 gene has been reported in ClinVar as Likely pathogenic but no evidences are provided for independent assessment. The variant is novel (not in any individuals) in gnomAD Exomes and is novel (not in any individuals) in 1000 Genomes. The nucleotide change c.2350C>T in LZTR1 is predicted as conserved by GERP++ and PhyloP across 100 vertebrates. Loss of function variants have been previously reported to be disease causing. However this variant is present in the penultimate exon so functional studies will be required to prove protein truncation. Hence the variant is classified as Uncertain Significance.